The following is an entry in ClinVar:

ClinVar aggregate classification (somatic clinical impact): Tier I - Strong (1 of 4 stars; one submission).

Conditions:
Diffuse midline glioma, H3 K27M-mutant. Identifiers: MedGen C4289688, MONDO:0957196.

Submission:

Institute for Genomic Medicine (IGM) Clinical Laboratory, Nationwide Children's Hospital
Classification: Tier I - Strong for Diffuse midline glioma, H3 K27M-mutant. Assertion type: diagnostic. Clinical significance: supports diagnosis. Last evaluated: 2023-04-19. Review status: criteria provided, single submitter. Criteria: AMP/ASCO/CAP Guidelines, 2017. Collection method: clinical testing. Allele origin: somatic. Affected: yes.
Comment: Variant has Tier I (strong) clinical significance as a diagnostic inclusion criterion in diffuse midline glioma, H3 K27M-mutant, based on the following evidence: 1) Documented in one or more cancer databases (e.g., St. Jude Pecan, COSMIC, CIViC, OncoKB). 2) Appears in one or more well-established professional guidelines (e.g., World Health Organization [WHO]; National Comprehensive Cancer Network [NCCN]) as providing diagnostic, prognostic, or therapeutic information. 3) Diagnostic for a specific tumor type/classification based on well-powered studies with expert-level consensus (Evidence Level B; PMIDs: 24705251, 25230881, 27582545, 28966033, 29763623).

Literature cited by the submitters: PubMed 24705251; PubMed 25230881; PubMed 27582545; PubMed 28966033; PubMed 29763623.

NM_006206.6(PDGFRA):c.856G>A (p.Gly286Arg)

Gene: PDGFRA (platelet derived growth factor receptor alpha; plus strand). Cytogenetic location: 4q12.
Variant type: single nucleotide variant.
Coding change: c.856G>A on transcript NM_006206.6 (MANE Select); coding-DNA position 856, G replaced by A.
Protein change: p.Gly286Arg; replaces glycine 286 with arginine.
Molecular consequence: missense variant.
Genome position (GRCh38, 1-based): chr4:54,267,385, G>A. VCF-style: chr4-54267385-G-A. GRCh37 (hg19) VCF-style: chr4-55133552-G-A.
Other names: c.856G>A, p.Gly286Arg (NM_001347827.2, NM_001347829.2); c.931G>A, p.Gly311Arg (NM_001347828.2); c.895G>A, p.Gly299Arg (NM_001347830.2); short protein forms G286R, G299R, G311R.
Identifiers: ClinVar variation 4530326 (VCV004530326.1).
Genomic context (GRCh38, chr4:54,267,385, plus strand): 5'-GTCCCATCCATCAAATTGGTGTACACTTTGACGGTCCCCGAGGCCACGGTGAAAGACAGT[G>A]GAGATTACGAATGTGCTGCCCGCCAGGCTACCAGGGAGGTCAAAGAAATGAAGAAAGTCA-3'
Protein context (NP_006197.1, residues 276-296): TVPEATVKDS[Gly286Arg]DYECAARQAT